The following is an entry in ClinVar:

NM_007074.4(CORO1A):c.198+3G>A

Gene: CORO1A (coronin 1A; plus strand). Cytogenetic location: 16p11.2.
Variant type: single nucleotide variant.
Coding change: c.198+3G>A on transcript NM_007074.4 (MANE Select); 3 bases into the intron after coding-DNA position 198, G replaced by A.
Molecular consequence: intron variant.
Genome position (GRCh38, 1-based): chr16:30,185,410, G>A. VCF-style: chr16-30185410-G-A. GRCh37 (hg19) VCF-style: chr16-30196731-G-A.
Other names: c.198+3G>A (NM_001193333.3).
Identifiers: ClinVar variation 1931534 (VCV001931534.2), dbSNP rs779427647, ClinGen allele CA2575967641.
Genomic context (GRCh38, chr16:30,185,410, plus strand): 5'-GGCCCTGATCTGTGAGGCCAGCGGGGGAGGGGCCTTCCTGGTGCTGCCCCTGGGCAAGGT[G>A]AGCCCCTGGGGCCCTGGGGGGAGCAGCTCCTCCACCGGACCCATGGCTCTGTGCAGGTCC-3'

ClinVar aggregate classification (germline): Uncertain significance (1 of 4 stars; one submission).

Conditions:
Severe combined immunodeficiency due to CORO1A deficiency. Also called: IMMUNODEFICIENCY 8 WITH LYMPHOPROLIFERATION; Immunodeficiency 8. Identifiers: Orphanet 228003, MedGen C3809383, MONDO:0014168, OMIM 615401.

Submission:

Labcorp Genetics (formerly Invitae), Labcorp
Classification: Uncertain significance for Severe combined immunodeficiency due to CORO1A deficiency. Last evaluated: 2022-08-08. Review status: criteria provided, single submitter. Criteria: Invitae Variant Classification Sherloc (09022015). Collection method: clinical testing. Allele origin: germline.
Comment: This sequence change falls in intron 2 of the CORO1A gene. It does not directly change the encoded amino acid sequence of the CORO1A protein. It affects a nucleotide within the consensus splice site. This variant is not present in population databases (gnomAD no frequency). This variant has not been reported in the literature in individuals affected with CORO1A-related conditions. Variants that disrupt the consensus splice site are a relatively common cause of aberrant splicing (PMID: 17576681, 9536098). Algorithms developed to predict the effect of sequence changes on RNA splicing suggest that this variant is not likely to affect RNA splicing. In summary, the available evidence is currently insufficient to determine the role of this variant in disease. Therefore, it has been classified as a Variant of Uncertain Significance.

Literature cited by the submitters: PubMed 17576681; PubMed 9536098.